The following is an entry in ClinVar:

NM_005751.5(AKAP9):c.4667A>G (p.Asp1556Gly)

Gene: AKAP9 (A-kinase anchoring protein 9; plus strand). Cytogenetic location: 7q21.2.
Variant type: single nucleotide variant.
Coding change: c.4667A>G on transcript NM_005751.5 (MANE Select); coding-DNA position 4667, A replaced by G.
Protein change: p.Asp1556Gly; replaces aspartic acid 1556 with glycine.
Molecular consequence: missense variant.
Genome position (GRCh38, 1-based): chr7:92,038,747, A>G. VCF-style: chr7-92038747-A-G. GRCh37 (hg19) VCF-style: chr7-91668061-A-G.
Other names: c.4667A>G, p.Asp1556Gly (NM_147185.3); short protein forms D1556G.
Identifiers: ClinVar variation 3631712 (VCV003631712.2).

ClinVar aggregate classification (germline): Uncertain significance (1 of 4 stars; one submission).

Conditions:
Long QT syndrome (LQTS). Identifiers: MedGen C0023976, MeSH D008133, MONDO:0002442. Disease mechanism: loss of function. Inheritance: Various modes of inheritance.

Submission:

Labcorp Genetics (formerly Invitae), Labcorp
Classification: Uncertain significance for Long QT syndrome. Last evaluated: 2025-07-30. Review status: criteria provided, single submitter. Criteria: Invitae Variant Classification Sherloc (09022015). Collection method: clinical testing. Allele origin: germline.
Comment: This sequence change replaces aspartic acid, which is acidic and polar, with glycine, which is neutral and non-polar, at codon 1556 of the AKAP9 protein (p.Asp1556Gly). This variant is not present in population databases (gnomAD no frequency). This variant has not been reported in the literature in individuals affected with AKAP9-related conditions. ClinVar contains an entry for this variant (Variation ID: 3631712). An algorithm developed to predict the effect of missense changes on protein structure and function (PolyPhen-2) suggests that this variant is likely to be disruptive. Algorithms developed to predict the effect of sequence changes on RNA splicing suggest that this variant may disrupt the consensus splice site. In summary, the available evidence is currently insufficient to determine the role of this variant in disease. Therefore, it has been classified as a Variant of Uncertain Significance.